The following is an entry in ClinVar:

NM_001127898.4(CLCN5):c.859G>A (p.Val287Met)

Gene: CLCN5 (chloride voltage-gated channel 5; plus strand). Cytogenetic location: Xp11.23.
Variant type: single nucleotide variant.
Coding change: c.859G>A on transcript NM_001127898.4 (MANE Select); coding-DNA position 859, G replaced by A.
Protein change: p.Val287Met; replaces valine 287 with methionine.
Molecular consequence: missense variant.
Genome position (GRCh38, 1-based): chrX:50,081,773, G>A. VCF-style: chrX-50081773-G-A. GRCh37 (hg19) VCF-style: chrX-49846430-G-A.
Other names: c.709G>A, p.Val237Met (NM_001282163.2); c.859G>A, p.Val287Met (NM_001127899.4); c.649G>A, p.Val217Met (NM_000084.5); short protein forms V237M, V287M, V217M.
Identifiers: ClinVar variation 2976268 (VCV002976268.4), dbSNP rs782289298, ClinGen allele CA10413798.
Genomic context (GRCh38, chrX:50,081,773, plus strand): 5'-ACCTTGGTGCTGGCAGTGTCATCTGGCTTGAGCCTGGGCAAAGAGGGCCCTCTAGTGCAC[G>A]TGGCTTGCTGCTGTGGGAACATCCTGTGCCACTGCTTCAACAAATACAGGAAGAATGAAG-3'
Protein context (NP_001121370.1, residues 277-297): SLGKEGPLVH[Val287Met]ACCCGNILCH

ClinVar aggregate classification (germline): Uncertain significance. Review status: criteria provided, multiple submitters, no conflicts (2 of 4 stars). 2 submissions from 2 submitters: Uncertain significance (2). Last evaluated 2025-02-16.

Allele frequency attached by ClinVar (database versions not stated): ExAC 0.00001; gnomAD 0.00002; gnomAD exomes 0.00002; TOPMed 0.00003.
gnomAD v4.1: 20 of 1,209,858 alleles (0.0017%); highest among the groups gnomAD compares: East Asian, 0.0089%; no homozygotes.

Submissions (2):

Laboratory of Genetics, Children's Clinical University Hospital Latvia
Classification: Uncertain significance. Last evaluated: 2025-02-16. Review status: criteria provided, single submitter. Criteria: ACMG Guidelines, 2015. Collection method: clinical testing. Allele origin: germline. Affected: yes.

Labcorp Genetics (formerly Invitae), Labcorp
Classification: Uncertain significance. Last evaluated: 2023-10-10. Review status: criteria provided, single submitter. Criteria: Invitae Variant Classification Sherloc (09022015). Collection method: clinical testing. Allele origin: germline.
Comment: This sequence change replaces valine, which is neutral and non-polar, with methionine, which is neutral and non-polar, at codon 217 of the CLCN5 protein (p.Val217Met). This variant is present in population databases (rs782289298, gnomAD 0.005%). This variant has not been reported in the literature in individuals affected with CLCN5-related conditions. An algorithm developed to predict the effect of missense changes on protein structure and function (PolyPhen-2) suggests that this variant is likely to be disruptive. In summary, the available evidence is currently insufficient to determine the role of this variant in disease. Therefore, it has been classified as a Variant of Uncertain Significance.